The following is an entry in ClinVar:

ClinVar aggregate classification (germline): Uncertain significance. Review status: criteria provided, multiple submitters, no conflicts (2 of 4 stars). 2 submissions from 2 submitters: Uncertain significance (2). Last evaluated 2024-01-12.

Conditions:
Rubinstein-Taybi syndrome (RSTS). Identifiers: Orphanet 783, MedGen C0035934, MONDO:0019188.

Submissions (2):

Women's Health and Genetics/Laboratory Corporation of America, LabCorp
Classification: Uncertain significance. Last evaluated: 2024-01-12. Review status: criteria provided, single submitter. Criteria: LabCorp Variant Classification Summary - May 2015. Collection method: clinical testing. Allele origin: germline.
Comment: Variant summary: CREBBP c.2348T>G (p.Met783Arg) results in a non-conservative amino acid change in the encoded protein sequence. Three of five in-silico tools predict a damaging effect of the variant on protein function. The variant allele was found at a frequency of 8e-06 in 251450 control chromosomes. The available data on variant occurrences in the general population are insufficient to allow any conclusion about variant significance. To our knowledge, no occurrence of c.2348T>G in individuals affected with Rubinstein-Taybi Syndrome and no experimental evidence demonstrating its impact on protein function have been reported. No submitters have cited clinical-significance assessments for this variant to ClinVar. Based on the evidence outlined above, the variant was classified as uncertain significance.

Labcorp Genetics (formerly Invitae), Labcorp
Classification: Uncertain significance for Rubinstein-Taybi syndrome. Last evaluated: 2023-06-03. Review status: criteria provided, single submitter. Criteria: Invitae Variant Classification Sherloc (09022015). Collection method: clinical testing. Allele origin: germline.
Comment: Advanced modeling of protein sequence and biophysical properties (such as structural, functional, and spatial information, amino acid conservation, physicochemical variation, residue mobility, and thermodynamic stability) has been performed at Invitae for this missense variant, however the output from this modeling did not meet the statistical confidence thresholds required to predict the impact of this variant on CREBBP protein function. In summary, the available evidence is currently insufficient to determine the role of this variant in disease. Therefore, it has been classified as a Variant of Uncertain Significance. This variant has not been reported in the literature in individuals affected with CREBBP-related conditions. This variant is present in population databases (no rsID available, gnomAD 0.002%). This sequence change replaces methionine, which is neutral and non-polar, with arginine, which is basic and polar, at codon 783 of the CREBBP protein (p.Met783Arg).

NM_004380.3(CREBBP):c.2348T>G (p.Met783Arg)

Gene: CREBBP (CREB binding lysine acetyltransferase; minus strand). Cytogenetic location: 16p13.3.
Variant type: single nucleotide variant.
Coding change: c.2348T>G on transcript NM_004380.3 (MANE Select); coding-DNA position 2348, T replaced by G.
Protein change: p.Met783Arg; replaces methionine 783 with arginine.
Molecular consequence: missense variant.
Genome position (GRCh38, 1-based): chr16:3,773,866, A>C on the plus strand (T>G on the coding strand, the complement: CREBBP is on the minus strand). VCF-style: chr16-3773866-A-C. GRCh37 (hg19) VCF-style: chr16-3823867-A-C.
Other names: c.2234T>G, p.Met745Arg (NM_001079846.1); short protein forms M745R, M783R.
Identifiers: ClinVar variation 2903076 (VCV002903076.4), dbSNP rs140340520, ClinGen allele CA394553014.